The following is an entry in ClinVar:

ClinVar aggregate classification (germline): Benign/Likely benign. Review status: criteria provided, multiple submitters, no conflicts (2 of 4 stars). 6 submissions from 6 submitters: Benign (2); Likely benign (3). 1 of the submissions does not count toward it. Last evaluated 2026-01-28.

Conditions:
P2RX2-related disorder. Also called: P2RX2-related condition.

Allele frequency attached by ClinVar (database versions not stated): 1000 Genomes Project 30x 0.00031; ESP Exome Variant Server 0.00039; 1000 Genomes Project 0.00040; gnomAD exomes 0.00073 and 0.00107; ExAC 0.00076; gnomAD 0.00091 and 0.00097; TOPMed 0.00120.
gnomAD v4.1: 1,662 of 1,590,602 alleles (0.1%); highest among the groups gnomAD compares: Admixed American, 0.25%; no homozygotes.

Submissions (6):

Labcorp Genetics (formerly Invitae), Labcorp
Classification: Benign. Last evaluated: 2026-01-28. Review status: criteria provided, single submitter. Criteria: Invitae Variant Classification Sherloc (09022015). Collection method: clinical testing. Allele origin: germline.

Blueprint Genetics
Classification: Likely benign. Last evaluated: 2024-11-21. Review status: criteria provided, single submitter. Criteria: ACMG Guidelines, 2015. Collection method: clinical testing. Allele origin: germline.

GeneDx
Classification: Likely benign. Last evaluated: 2020-09-25. Review status: criteria provided, single submitter. Criteria: GeneDx Variant Classification Process June 2021. Collection method: clinical testing. Allele origin: germline. Affected: yes.

Laboratory for Molecular Medicine, Mass General Brigham Personalized Medicine
Classification: Benign. Last evaluated: 2018-09-18. Review status: criteria provided, single submitter. Criteria: LMM Criteria. Collection method: clinical testing. Allele origin: germline. Observed: 2 variant alleles.
Comment: The p.Gln164Arg variant in P2RX2 is classified as benign because it has been ide ntified in 0.18% (56/30374) of Latino chromosomes by gnomAD, and computational prediction tools and conservation analysis sug gest that this variant may not impact the protein. ACMG/AMP Criteria applied: BA 1, BP4.

Eurofins Ntd Llc (ga)
Classification: Likely benign. Last evaluated: 2017-07-14. Review status: criteria provided, single submitter. Criteria: EGL Classification Definitions 2015. Collection method: clinical testing. Allele origin: germline. Observed: 3 variant alleles, 2 heterozygotes, 1 homozygote.

PreventionGenetics, part of Exact Sciences
Classification: Likely benign for P2RX2-related condition. Last evaluated: 2024-09-14. Review status: no assertion criteria provided. Collection method: clinical testing. Allele origin: germline. Not counted in ClinVar's aggregate classification.
Comment: This variant is classified as likely benign based on ACMG/AMP sequence variant interpretation guidelines (Richards et al. 2015 PMID: 25741868, with internal and published modifications).

NM_170682.4(P2RX2):c.491A>G (p.Gln164Arg)

Gene: P2RX2 (purinergic receptor P2X 2; plus strand). Cytogenetic location: 12q24.33.
Variant type: single nucleotide variant.
Coding change: c.491A>G on transcript NM_170682.4 (MANE Select); coding-DNA position 491, A replaced by G.
Protein change: p.Gln164Arg; replaces glutamine 164 with arginine.
Molecular consequence: missense variant. On other transcripts: splice acceptor variant (1).
Genome position (GRCh38, 1-based): chr12:132,620,033, A>G. VCF-style: chr12-132620033-A-G. GRCh37 (hg19) VCF-style: chr12-133196619-A-G.
Other names: c.386-2A>G (NM_001282164.1, NM_001282164.2); c.491A>G, p.Gln164Arg (NM_001282165.2, NM_170683.4, NM_174873.3); c.275A>G, p.Gln92Arg (NM_012226.5); c.419A>G, p.Gln140Arg (NM_016318.4); c.215A>G, p.Gln72Arg (NM_174872.3); short protein forms Q164R, Q92R, Q72R, Q140R.
Identifiers: ClinVar variation 501253 (VCV000501253.24), dbSNP rs142844880, ClinGen allele CA6891522.
Genomic context (GRCh38, chr12:132,620,033, plus strand): 5'-AATGCCTCAGTGACCTCTGCCTCCCAGGCCTGAGGACTGGGCGCTGTGTGCCCTATTACC[A>G]GGGGCCCTCCAAGACCTGCGAGGTGTTCGGCTGGTGCCCGGTGGAAGATGGGGCCTCTGT-3'
Protein context (NP_733782.1, residues 154-174): LRTGRCVPYY[Gln164Arg]GPSKTCEVFG